The following is an entry in ClinVar:

NM_001165963.4(SCN1A):c.703A>G (p.Thr235Ala)

Gene: SCN1A (sodium voltage-gated channel alpha subunit 1; minus strand). Cytogenetic location: 2q24.3.
Variant type: single nucleotide variant.
Coding change: c.703A>G on transcript NM_001165963.4 (MANE Select); coding-DNA position 703, A replaced by G.
Protein change: p.Thr235Ala; replaces threonine 235 with alanine.
Molecular consequence: missense variant. On other transcripts: 5 prime UTR variant (1), non-coding transcript variant (1).
Genome position (GRCh38, 1-based): chr2:166,051,980, T>C on the plus strand (A>G on the coding strand, the complement: SCN1A is on the minus strand). VCF-style: chr2-166051980-T-C. GRCh37 (hg19) VCF-style: chr2-166908490-T-C.
Other names: c.703A>G, p.Thr235Ala (NM_001165964.3, NM_001202435.3, NM_001353948.2 and 10 more transcripts); c.-1723A>G (NM_001353961.2); short protein forms T235A.
Identifiers: ClinVar variation 2016244 (VCV002016244.4), dbSNP rs2468225448, ClinGen allele CA349073854.

ClinVar aggregate classification (germline): Pathogenic (1 of 4 stars; one submission).

Conditions:
Early-infantile DEE. Also called: Early infantile epileptic encephalopathy; Ohtahara syndrome; Early infantile epileptic encephalopathy with suppression bursts. Identifiers: Orphanet 1934, MedGen C0393706, MONDO:0800491.

Submission:

Labcorp Genetics (formerly Invitae), Labcorp
Classification: Pathogenic for Early-infantile DEE. Last evaluated: 2022-08-09. Review status: criteria provided, single submitter. Criteria: Invitae Variant Classification Sherloc (09022015). Collection method: clinical testing. Allele origin: germline.
Comment: For these reasons, this variant has been classified as Pathogenic. Advanced modeling of protein sequence and biophysical properties (such as structural, functional, and spatial information, amino acid conservation, physicochemical variation, residue mobility, and thermodynamic stability) performed at Invitae indicates that this missense variant is expected to disrupt SCN1A protein function. This missense change has been observed in individual(s) with clinical features of SCN1A-related conditions (Invitae). In at least one individual the variant was observed to be de novo. This variant is not present in population databases (gnomAD no frequency). This sequence change replaces threonine, which is neutral and polar, with alanine, which is neutral and non-polar, at codon 235 of the SCN1A protein (p.Thr235Ala).